The following is an entry in ClinVar:

NM_001370100.5(ZMYND11):c.1500+5T>C

Genes: ZMYND11 (zinc finger MYND-type containing 11; plus strand), LOC126860802 (BRD4-independent group 4 enhancer GRCh37_chr10:294268-295467; plus strand). Cytogenetic location: 10p15.3.
Variant type: single nucleotide variant.
Coding change: c.1500+5T>C on transcript NM_001370100.5 (MANE Select); 5 bases into the intron after coding-DNA position 1500, T replaced by C.
Molecular consequence: intron variant.
Genome position (GRCh38, 1-based): chr10:248,613, T>C. VCF-style: chr10-248613-T-C. GRCh37 (hg19) VCF-style: chr10-294553-T-C.
Other names: c.1500+5T>C (NM_001370101.2, NM_001370102.2, NM_001202468.1 and 4 more transcripts); c.1338+5T>C (NM_001370109.2, NM_001202467.1, NM_001370103.2 and 6 more transcripts); c.1353+5T>C (NM_001370119.2); c.1380+5T>C (NM_001370118.2); c.1407+5T>C (NM_001370113.2, NM_001370114.2); c.1449+5T>C (NM_001330057.3, NM_001370112.2); c.1497+5T>C (NM_001370115.2, NM_212479.4); c.1335+5T>C (NM_001202466.3, NM_001370111.2); and 8 more.
Identifiers: ClinVar variation 3697568 (VCV003697568.2).

ClinVar aggregate classification (germline): Uncertain significance (1 of 4 stars; one submission).

gnomAD v4.1: 2 of 1,594,402 alleles (0.00013%); highest among the groups gnomAD compares: Middle Eastern, 0.017%; no homozygotes.

Submission:

Labcorp Genetics (formerly Invitae), Labcorp
Classification: Uncertain significance. Last evaluated: 2024-10-31. Review status: criteria provided, single submitter. Criteria: Invitae Variant Classification Sherloc (09022015). Collection method: clinical testing. Allele origin: germline.
Comment: This sequence change falls in intron 13 of the ZMYND11 gene. It does not directly change the encoded amino acid sequence of the ZMYND11 protein. It affects a nucleotide within the consensus splice site. This variant is not present in population databases (gnomAD no frequency). This variant has not been reported in the literature in individuals affected with ZMYND11-related conditions. Variants that disrupt the consensus splice site are a relatively common cause of aberrant splicing (PMID: 17576681, 9536098). Algorithms developed to predict the effect of sequence changes on RNA splicing suggest that this variant is not likely to affect RNA splicing. In summary, the available evidence is currently insufficient to determine the role of this variant in disease. Therefore, it has been classified as a Variant of Uncertain Significance.

Literature cited by the submitters: PubMed 17576681; PubMed 9536098.